The following is an entry in ClinVar:

ClinVar aggregate classification (germline): Likely benign (0 of 4 stars; one submission).

Conditions:
TBX3-related disorder. Also called: TBX3-related condition.

gnomAD v4.1: 33 of 1,586,668 alleles (0.0021%); highest among the groups gnomAD compares: African/African-American, 0.0067%; no homozygotes.

Submission:

PreventionGenetics, part of Exact Sciences
Classification: Likely benign for TBX3-related condition. Last evaluated: 2022-02-07. Review status: no assertion criteria provided. Collection method: clinical testing. Allele origin: germline.
Comment: This variant is classified as likely benign based on ACMG/AMP sequence variant interpretation guidelines (Richards et al. 2015 PMID: 25741868, with internal and published modifications).

NM_005996.4(TBX3):c.1101C>T (p.Pro367=)

Gene: TBX3 (T-box transcription factor 3; minus strand). Cytogenetic location: 12q24.21.
Variant type: single nucleotide variant.
Coding change: c.1101C>T on transcript NM_005996.4 (MANE Select); coding-DNA position 1101, C replaced by T.
Protein change: p.Pro367=; no amino-acid change (proline 367 retained).
Molecular consequence: synonymous variant.
Genome position (GRCh38, 1-based): chr12:114,674,774, G>A on the plus strand (C>T on the coding strand, the complement: TBX3 is on the minus strand). VCF-style: chr12-114674774-G-A. GRCh37 (hg19) VCF-style: chr12-115112579-G-A.
Other names: c.1161C>T, p.Pro387= (NM_016569.4).
Identifiers: ClinVar variation 3351479 (VCV003351479.1).